The following is an entry in ClinVar:

NM_005431.2(XRCC2):c.190C>T (p.Arg64Ter)

Gene: XRCC2 (X-ray repair cross complementing 2; minus strand). Cytogenetic location: 7q36.1.
Variant type: single nucleotide variant.
Coding change: c.190C>T on transcript NM_005431.2 (MANE Select); coding-DNA position 190, C replaced by T.
Protein change: p.Arg64Ter; replaces arginine 64 with a stop codon.
Molecular consequence: nonsense.
Genome position (GRCh38, 1-based): chr7:152,649,295, G>A on the plus strand (C>T on the coding strand, the complement: XRCC2 is on the minus strand). VCF-style: chr7-152649295-G-A. GRCh37 (hg19) VCF-style: chr7-152346380-G-A.
Other names: short protein forms R64*.
Identifiers: ClinVar variation 486729 (VCV000486729.19), dbSNP rs151110146, ClinGen allele CA4582376.
Genomic context (GRCh38, chr7:152,649,295, plus strand): 5'-CTGTATCAATAAATAAGACTTCTACTTCCAGGCCACCTTCTGATTTGGGAAGTATACATC[G>A]TGCTGTTAGGTGATAAAGCATTTCTGTTTTTCCTGTTCCTTCTGGGCCATGAAATTCAAG-3'

ClinVar aggregate classification (germline): Conflicting classifications of pathogenicity. Review status: criteria provided, conflicting classifications (1 of 4 stars). 6 submissions from 6 submitters: Pathogenic (1); Likely pathogenic (4); Uncertain significance (1). Last evaluated 2025-11-04.

Conditions:
Spermatogenic failure 50. Also called: Spermatogenic failures 50. Identifiers: MedGen C5436888, MONDO:0030869, OMIM 619145.
Premature ovarian failure 17. Identifiers: MedGen C5436889, MONDO:0030870, OMIM 619146.
Fanconi anemia complementation group U. Identifiers: MedGen C4310651, MONDO:0014987, OMIM 617247.
XRCC2-related disorder. Also called: XRCC2-related condition.
Hereditary cancer-predisposing syndrome. Also called: Neoplastic Syndromes, Hereditary; Hereditary Cancer Syndrome; Tumor predisposition; Hereditary neoplastic syndrome. Identifiers: Orphanet 140162, MedGen C0027672, MeSH D009386, MONDO:0015356.

Allele frequency attached by ClinVar (database versions not stated): gnomAD exomes 0.00002; gnomAD 0.00003; ExAC 0.00004; TOPMed 0.00004; ESP Exome Variant Server 0.00008.
gnomAD v4.1: 28 of 1,612,738 alleles (0.0017%); highest among the groups gnomAD compares: Non-Finnish European, 0.0019%; no homozygotes.

Submissions (6):

Labcorp Genetics (formerly Invitae), Labcorp
Classification: Uncertain significance. Last evaluated: 2025-11-04. Review status: criteria provided, single submitter. Criteria: Invitae Variant Classification Sherloc (09022015). Collection method: clinical testing. Allele origin: germline.
Comment: This sequence change creates a premature translational stop signal (p.Arg64*) in the XRCC2 gene. While this is not anticipated to result in nonsense mediated decay, it is expected to disrupt the last 217 amino acid(s) of the XRCC2 protein. This variant is present in population databases (rs151110146, gnomAD 0.009%). This premature translational stop signal has been observed in individual(s) with a personal or family history of breast and/or ovarian cancer and/or pancreatic ductal adenocarcinoma (PMID: 28724667, 31159747, 35171259). ClinVar contains an entry for this variant (Variation ID: 486729). Algorithms developed to predict the effect of sequence changes on RNA splicing suggest that this variant may disrupt the consensus splice site. In summary, the available evidence is currently insufficient to determine the role of this variant in disease. Therefore, it has been classified as a Variant of Uncertain Significance.

PreventionGenetics, part of Exact Sciences
Classification: Likely pathogenic for XRCC2-related condition. Last evaluated: 2025-02-24. Review status: criteria provided, single submitter. Criteria: ACMG Guidelines, 2015. Collection method: clinical testing. Allele origin: germline.
Comment: The XRCC2 c.190C>T variant is predicted to result in premature protein termination (p.Arg64*). This variant has been reported in multiple individuals with breast or pancreatic cancers (Table S3, Sun et al. 2017. PubMed ID: 28724667; Table S2, Tsaousis et al. 2019. PubMed ID: 31159747; Yin et al. 2022. PubMed ID: 35171259; Cătană et al. 2023. PubMed ID: 37239058). This variant is reported in 0.0095% of alleles in individuals of European (Finnish) descent in gnomAD and has conflicting interpretations regarding its pathogenicity in ClinVar, ranging from uncertain (1) to likely pathogenic (3) to pathogenic (1). Nonsense variants in XRCC2 are expected to be pathogenic. This variant is interpreted as likely pathogenic.

Fulgent Genetics
Classification: Likely pathogenic for Fanconi anemia complementation group U; Spermatogenic failure 50; Premature ovarian failure 17. Last evaluated: 2024-03-16. Review status: criteria provided, single submitter. Criteria: ACMG Guidelines, 2015. Collection method: clinical testing. Allele origin: germline.

Ambry Genetics
Classification: Pathogenic for Hereditary cancer-predisposing syndrome. Last evaluated: 2022-03-31. Review status: criteria provided, single submitter. Criteria: Ambry Variant Classification Scheme 2023. Collection method: clinical testing. Allele origin: germline.
Comment: The p.R64* variant (also known as c.190C>T), located in coding exon 3 of the XRCC2 gene, results from a C to T substitution at nucleotide position 190. This changes the amino acid from an arginine to a stop codon within coding exon 3. In addition to the clinical data presented in the literature, this alteration is expected to result in loss of function by premature protein truncation. As such, this alteration is interpreted as a disease-causing mutation.

Sema4
Classification: Likely pathogenic for Hereditary cancer-predisposing syndrome. Last evaluated: 2021-05-29. Review status: criteria provided, single submitter. Criteria: Sema4 Curation Guidelines. Collection method: curation. Allele origin: germline.
Comment: The XRCC2 c.190C>T (p.R64X) variant has been reported in heterozygosity in at least one individual with breast cancer (PMID: 28724667) and in an individual referred for multi-gene panel testing due to a personal/family history of cancer (PMID: 31159747). This nonsense variant creates a premature stop codon at residue 64 of the XRCC2 protein. This variant is located in exon 3 (out of 3) of the XRCC2 gene. Based on its location, this variant is not predicted to cause nonsense-mediated decay and the protein product is expected to be truncated. However no functional assays have been reported to confirm this prediction. This variant was observed in 2/20988 chromosomes in the Finnish population according to the Genome Aggregation Database (PMID: 32461654). This variant has been reported in ClinVar (Variation ID: 486729). Based on the current evidence available, this variant is interpreted as likely pathogenic.

GeneKor MSA
Classification: Likely pathogenic for Hereditary cancer-predisposing syndrome. Last evaluated: 2020-01-01. Review status: criteria provided, single submitter. Criteria: ACMG Guidelines, 2015. Collection method: clinical testing. Allele origin: germline. Affected: yes.
Comment: This variant is a single amino acid change from Arginine to a premature translational stop signal at codon 64 of the XRCC2 protein. This is expected to result in an absent or disrupted protein product. This variant has been described in the international literature in individuals undergoing panel testing for hereditary syndrome (PMID: 31159747).

Literature cited by the submitters: PubMed 28724667 (cited by 3 submitters); PubMed 31159747 (cited by Labcorp Genetics (formerly Invitae), Labcorp and Sema4); PubMed 35171259 (cited by Labcorp Genetics (formerly Invitae), Labcorp).